The following is an entry in ClinVar:

NM_001845.6(COL4A1):c.3198+9C>A

Gene: COL4A1 (collagen type IV alpha 1 chain; minus strand). Cytogenetic location: 13q34.
Variant type: single nucleotide variant.
Coding change: c.3198+9C>A on transcript NM_001845.6 (MANE Select); 9 bases into the intron after coding-DNA position 3198, C replaced by A.
Molecular consequence: intron variant.
Genome position (GRCh38, 1-based): chr13:110,175,209, G>T on the plus strand (C>A on the coding strand, the complement: COL4A1 is on the minus strand). VCF-style: chr13-110175209-G-T. GRCh37 (hg19) VCF-style: chr13-110827556-G-T.
Other names: c.3198+9C>A (NM_001845.5).
Identifiers: ClinVar variation 1627573 (VCV001627573.10), dbSNP rs112120233, ClinGen allele CA7047361.

ClinVar aggregate classification (germline): Likely benign. Review status: criteria provided, multiple submitters, no conflicts (2 of 4 stars). 3 submissions from 3 submitters: Likely benign (3). Last evaluated 2026-04-29.

Conditions:
COL4A1-related disorder. Also called: COL4A1-related disorders; COL4A1-related condition. Identifiers: MedGen CN376119, MONDO:0800461.
Autosomal dominant familial hematuria-retinal arteriolar tortuosity-contractures syndrome. Also called: Hereditary Angiopathy with Nephropathy, Aneurysms, and Muscle Cramps (HANAC) Syndrome; Angiopathy, hereditary, with nephropathy, aneurysms, and muscle cramps. Identifiers: Orphanet 73229, MedGen C2673195, MONDO:0012726, OMIM 611773.
Brain small vessel disease 1 with or without ocular anomalies (BSVD1). Also called: PORENCEPHALY, TYPE 1, AUTOSOMAL DOMINANT; GOULD SYNDROME 1; BRAIN SMALL VESSEL DISEASE WITH HEMORRHAGE; Brain small vessel disease with or without ocular anomalies. Identifiers: Orphanet 2940, Orphanet 36383, Orphanet 99810, MedGen C4755307, MONDO:0008289, OMIM 175780.
Hemorrhage, intracerebral, susceptibility to (ICH). Also called: Stroke, hemorrhagic, susceptibility to. Identifiers: MedGen C3281105, MONDO:0100533, OMIM 614519.
Microangiopathy and leukoencephalopathy, pontine, autosomal dominant. Also called: Pontine autosomal dominant microangiopathy with leukoencephalopathy; DEMENTIA, HEREDITARY MULTI-INFARCT, SWEDISH TYPE. Identifiers: Orphanet 477749, MedGen C5231411, MONDO:0032814, OMIM 618564.
Retinal arterial tortuosity. Also called: Retinal arteries, tortuosity of; RETINAL HEMORRHAGE WITH VASCULAR TORTUOSITY. Identifiers: Orphanet 75326, MedGen C0423401, MONDO:0008373, OMIM 180000, HP:0000631.

Allele frequency attached by ClinVar (database versions not stated): ESP Exome Variant Server 0.00015; 1000 Genomes Project 30x 0.00047.
gnomAD v4.1: 65 of 1,614,184 alleles (0.004%); highest among the groups gnomAD compares: African/African-American, 0.061%; no homozygotes.

Submissions (3):

PreventionGenetics, part of Exact Sciences
Classification: Likely benign for COL4A1-related condition. Last evaluated: 2026-04-29. Review status: criteria provided, single submitter. Criteria: ACMG Guidelines, 2015. Collection method: clinical testing. Allele origin: germline.
Comment: This variant is classified as likely benign based on ACMG/AMP sequence variant interpretation guidelines (Richards et al. 2015 PMID: 25741868, with internal and published modifications).

Labcorp Genetics (formerly Invitae), Labcorp
Classification: Likely benign. Last evaluated: 2025-06-12. Review status: criteria provided, single submitter. Criteria: Invitae Variant Classification Sherloc (09022015). Collection method: clinical testing. Allele origin: germline.

Fulgent Genetics
Classification: Likely benign for Brain small vessel disease 1 with or without ocular anomalies; Retinal arterial tortuosity; Autosomal dominant familial hematuria-retinal arteriolar tortuosity-contractures syndrome; Hemorrhage, intracerebral, susceptibility to; Microangiopathy and leukoencephalopathy, pontine, autosomal dominant. Last evaluated: 2021-08-12. Review status: criteria provided, single submitter. Criteria: ACMG Guidelines, 2015. Collection method: clinical testing. Allele origin: unknown.